The following is an entry in ClinVar:

NM_002734.5(PRKAR1A):c.198G>T (p.Gln66His)

Gene: PRKAR1A (protein kinase cAMP-dependent type I regulatory subunit alpha; plus strand). Cytogenetic location: 17q24.2.
Variant type: single nucleotide variant.
Coding change: c.198G>T on transcript NM_002734.5 (MANE Select); coding-DNA position 198, G replaced by T.
Protein change: p.Gln66His; replaces glutamine 66 with histidine.
Molecular consequence: missense variant.
Genome position (GRCh38, 1-based): chr17:68,522,776, G>T. VCF-style: chr17-68522776-G-T. GRCh37 (hg19) VCF-style: chr17-66518917-G-T.
Other names: c.198G>T, p.Gln66His (NM_001278433.2, NM_001369389.1, NM_001369390.1 and 4 more transcripts); short protein forms Q66H.
Identifiers: ClinVar variation 1783945 (VCV001783945.2), dbSNP rs2085656948, ClinGen allele CA400752201.

ClinVar aggregate classification (germline): Uncertain significance (1 of 4 stars; one submission).

Conditions:
Hereditary cancer-predisposing syndrome. Also called: Neoplastic Syndromes, Hereditary; Tumor predisposition; Hereditary Cancer Syndrome; Hereditary neoplastic syndrome. Identifiers: Orphanet 140162, MedGen C0027672, MeSH D009386, MONDO:0015356.

Submission:

Ambry Genetics
Classification: Uncertain significance for Hereditary cancer-predisposing syndrome. Last evaluated: 2021-10-13. Review status: criteria provided, single submitter. Criteria: Ambry Variant Classification Scheme 2023. Collection method: clinical testing. Allele origin: germline.
Comment: The p.Q66H variant (also known as c.198G>T), located in coding exon 2 of the PRKAR1A gene, results from a G to T substitution at nucleotide position 198. The glutamine at codon 66 is replaced by histidine, an amino acid with highly similar properties. This amino acid position is not well conserved in available vertebrate species. In addition, the in silico prediction for this alteration is inconclusive. Since supporting evidence is limited at this time, the clinical significance of this alteration remains unclear.